The following is an entry in ClinVar:

NM_001165963.4(SCN1A):c.3173_3176del (p.Lys1058fs)

Genes: SCN1A (sodium voltage-gated channel alpha subunit 1; minus strand), LOC102724058 (uncharacterized LOC102724058; plus strand). Cytogenetic location: 2q24.3.
Variant type: Microsatellite.
Coding change: c.3173_3176del on transcript NM_001165963.4 (MANE Select); coding-DNA positions 3173 to 3176, 4 bases deleted (AAGA; older notation c.3173_3176delAAGA).
Protein change: p.Lys1058fs; shifts the reading frame from lysine 1058.
Molecular consequence: frameshift variant. On other transcripts: non-coding transcript variant (2).
Genome position (GRCh38, 1-based): chr2:166,036,301-166,036,304, TCTT deleted on the plus strand (AAGA on the coding strand, the reverse complement: SCN1A is on the minus strand); deleting any 4 consecutive bases within chr2:166,036,301-166,036,308 gives the same sequence; the c. name uses the placement nearest the transcript's 3' end. VCF-style (leftmost placement, unchanged base first): chr2-166036300-GTCTT-G. GRCh37 (hg19) VCF-style: chr2-166892810-GTCTT-G.
Other names: c.3173_3176delAAGA (NM_001165963.1); c.3089_3092del, p.Lys1030fs (NM_001165964.3, NM_001353957.2, NM_001353958.2); c.3173_3176del, p.Lys1058fs (NM_001202435.3, NM_001353948.2); c.3140_3143del, p.Lys1047fs (NM_001353949.2, NM_001353950.2, NM_001353951.2 and 2 more transcripts); c.3137_3140del, p.Lys1046fs (NM_001353954.2, NM_001353955.2); c.3086_3089del, p.Lys1029fs (NM_001353960.2); c.731_734del, p.Lys244fs (NM_001353961.2); short protein forms K1058fs, K1047fs, K1046fs, K244fs, K1029fs, K1030fs.
Identifiers: ClinVar variation 955648 (VCV000955648.12), dbSNP rs1696358124, ClinGen allele CA1304856655.
Genomic context (GRCh38, chr2:166,036,300, plus strand): 5'-TACATCTTTAAGATAGTCAAGATCTTTCCCAATTTCTGCTGTATGATTGGACATACAACT[GTCTT>G]TCTTGTTGTTTAGATCATCAAGTGGTTTAATTTCATCTAAAATCTTTTGTTTCCTAATGA-3'

ClinVar aggregate classification (germline): Pathogenic. Review status: criteria provided, multiple submitters, no conflicts (2 of 4 stars). 2 submissions from 2 submitters: Pathogenic (2). Last evaluated 2022-11-22.

Conditions:
Early-infantile DEE. Also called: Ohtahara syndrome; Early infantile epileptic encephalopathy; Early infantile epileptic encephalopathy with suppression bursts. Identifiers: Orphanet 1934, MedGen C0393706, MONDO:0800491.
Severe myoclonic epilepsy in infancy (DRVT). Also called: SEVERE MYOCLONIC EPILEPSY OF INFANCY; DEVELOPMENTAL AND EPILEPTIC ENCEPHALOPATHY 6A; Dravet syndrome; Epileptic encephalopathy, early infantile, 6 (Dravet syndrome); Severe Myoclonic Epilepsy in Infancy (SMEI). Identifiers: Orphanet 33069, MedGen C0751122, MONDO:0100135, OMIM 607208.

Submissions (2):

Labcorp Genetics (formerly Invitae), Labcorp
Classification: Pathogenic for Early-infantile DEE. Last evaluated: 2022-11-22. Review status: criteria provided, single submitter. Criteria: Invitae Variant Classification Sherloc (09022015). Collection method: clinical testing. Allele origin: germline.
Comment: This variant is also known as c.3173delAAGA / K1058fs1079X. This premature translational stop signal has been observed in individual(s) with severe myoclonic epilepsy of infancy (SMEI) or Dravet syndrome (PMID: 17054684). In at least one individual the variant was observed to be de novo. This variant is not present in population databases (gnomAD no frequency). This sequence change creates a premature translational stop signal (p.Lys1058Thrfs*21) in the SCN1A gene. It is expected to result in an absent or disrupted protein product. Loss-of-function variants in SCN1A are known to be pathogenic (PMID: 17347258, 18930999). ClinVar contains an entry for this variant (Variation ID: 955648). For these reasons, this variant has been classified as Pathogenic.

Neuberg Centre For Genomic Medicine, NCGM
Classification: Pathogenic for Severe myoclonic epilepsy in infancy. Review status: criteria provided, single submitter. Criteria: ACMG Guidelines, 2015. Collection method: clinical testing. Allele origin: germline. Affected: yes.
Comment: The frameshift deletion p.K1058Tfs*21 in SCN1A (NM_001165963.4) has been reported in affected indvidual (Mancardi MM et al). It has been reported in literature as c.3173delAAGA / K1058fs1079X. It has been submitted to ClinVar as Pathogenic. The p.K1058Tfs*21 variant is novel (not in any individuals) in gnomAD Exomes and is novel (not in any individuals) in 1000 Genomes. This variant is predicted to cause loss of normal protein function through protein truncation. For these reasons, this variant has been classified as Pathogenic.

Literature cited by the submitters: PubMed 17054684 (cited by Labcorp Genetics (formerly Invitae), Labcorp); PubMed 17347258 (cited by Labcorp Genetics (formerly Invitae), Labcorp); PubMed 18930999 (cited by Labcorp Genetics (formerly Invitae), Labcorp).